The following is an entry in ClinVar:

NM_015046.7(SETX):c.4511A>G (p.Glu1504Gly)

Gene: SETX (senataxin; minus strand). Cytogenetic location: 9q34.13.
Variant type: single nucleotide variant.
Coding change: c.4511A>G on transcript NM_015046.7 (MANE Select); coding-DNA position 4511, A replaced by G.
Protein change: p.Glu1504Gly; replaces glutamic acid 1504 with glycine.
Molecular consequence: missense variant.
Genome position (GRCh38, 1-based): chr9:132,327,087, T>C on the plus strand (A>G on the coding strand, the complement: SETX is on the minus strand). VCF-style: chr9-132327087-T-C. GRCh37 (hg19) VCF-style: chr9-135202474-T-C.
Other names: c.4511A>G, p.Glu1504Gly (NM_001351527.2, NM_001351528.2); short protein forms E1504G.
Identifiers: ClinVar variation 912489 (VCV000912489.7), dbSNP rs781275166, ClinGen allele CA5297188.

ClinVar aggregate classification (germline): Conflicting classifications of pathogenicity. Review status: criteria provided, conflicting classifications (1 of 4 stars). 3 submissions from 2 submitters: Uncertain significance (1); Benign (1); Likely benign (1). Last evaluated 2025-04-11.

Conditions:
Spinocerebellar ataxia, autosomal recessive, with axonal neuropathy 2 (SCAN2). Also called: ATAXIA-OCULOMOTOR APRAXIA 2; Ataxia-ocular apraxia-2; Ataxia with Oculomotor Apraxia; Ataxia with Oculomotor Apraxia Type 2. Identifiers: Orphanet 64753, MedGen C1853761, MONDO:0018996, OMIM 606002.
Amyotrophic lateral sclerosis type 4 (ALS4). Also called: AMYOTROPHIC LATERAL SCLEROSIS 4, JUVENILE; NEURONOPATHY, DISTAL HEREDITARY MOTOR, WITH PYRAMIDAL FEATURES. Identifiers: Orphanet 357043, MedGen C1865409, MONDO:0011223, OMIM 602433.

Allele frequency attached by ClinVar (database versions not stated): gnomAD exomes 0.00002 and 0.00012; TOPMed 0.00004; ExAC 0.00008.
gnomAD v4.1: 32 of 1,614,240 alleles (0.002%); highest among the groups gnomAD compares: Admixed American, 0.053%; no homozygotes.

Submissions (3):

Labcorp Genetics (formerly Invitae), Labcorp
Classification: Benign for Amyotrophic lateral sclerosis type 4; Spinocerebellar ataxia, autosomal recessive, with axonal neuropathy 2. Last evaluated: 2025-04-11. Review status: criteria provided, single submitter. Criteria: Invitae Variant Classification Sherloc (09022015). Collection method: clinical testing. Allele origin: germline.

Illumina Laboratory Services, Illumina
Classification: Likely benign for Amyotrophic lateral sclerosis type 4. Last evaluated: 2018-01-12. Review status: criteria provided, single submitter. Criteria: ICSL Variant Classification Criteria 13 December 2019. Collection method: clinical testing. Allele origin: germline.
Comment: This variant was observed in the ICSL laboratory as part of a predisposition screen in an ostensibly healthy population. It had not been previously curated by ICSL or reported in the Human Gene Mutation Database (HGMD: prior to June 1st, 2018), and was therefore a candidate for classification through an automated scoring system. Utilizing variant allele frequency, disease prevalence and penetrance estimates, and inheritance mode, an automated score was calculated to assess if this variant is too frequent to cause the disease. Based on the score and internal cut-off values, a variant classified as likely benign is not then subjected to further curation. The score for this variant resulted in a classification of likely benign for this disease.

Illumina Laboratory Services, Illumina
Classification: Uncertain significance for Spinocerebellar ataxia, autosomal recessive, with axonal neuropathy 2. Last evaluated: 2018-01-12. Review status: criteria provided, single submitter. Criteria: ICSL Variant Classification Criteria 13 December 2019. Collection method: clinical testing. Allele origin: germline.